The following is an entry in ClinVar:

NM_001243133.2(NLRP3):c.700G>A (p.Ala234Thr)

Gene: NLRP3 (NLR family pyrin domain containing 3; plus strand). Cytogenetic location: 1q44.
Variant type: single nucleotide variant.
Coding change: c.700G>A on transcript NM_001243133.2 (MANE Select); coding-DNA position 700, G replaced by A.
Protein change: p.Ala234Thr; replaces alanine 234 with threonine.
Molecular consequence: missense variant.
Genome position (GRCh38, 1-based): chr1:247,424,149, G>A. VCF-style: chr1-247424149-G-A. GRCh37 (hg19) VCF-style: chr1-247587451-G-A.
Other names: c.700G>A, p.Ala234Thr (NM_001079821.3, NM_001127461.3, NM_001127462.3 and 1 more transcripts); c.706G>A, p.Ala236Thr (NM_004895.5); short protein forms A234T, A236T.
Identifiers: ClinVar variation 2016750 (VCV002016750.4), dbSNP rs1662681663, ClinGen allele CA345555231.

ClinVar aggregate classification (germline): Uncertain significance (1 of 4 stars; one submission).

Conditions:
Cryopyrin associated periodic syndrome (CAPS). Identifiers: Orphanet 208650, MedGen C2316212, MONDO:0016168.

Submission:

Labcorp Genetics (formerly Invitae), Labcorp
Classification: Uncertain significance for Cryopyrin associated periodic syndrome. Last evaluated: 2022-09-07. Review status: criteria provided, single submitter. Criteria: Invitae Variant Classification Sherloc (09022015). Collection method: clinical testing. Allele origin: germline.
Comment: In summary, the available evidence is currently insufficient to determine the role of this variant in disease. Therefore, it has been classified as a Variant of Uncertain Significance. Algorithms developed to predict the effect of missense changes on protein structure and function are either unavailable or do not agree on the potential impact of this missense change (SIFT: "Tolerated"; PolyPhen-2: "Probably Damaging"; Align-GVGD: "Class C0"). This variant has not been reported in the literature in individuals affected with NLRP3-related conditions. This variant is not present in population databases (gnomAD no frequency). This sequence change replaces alanine, which is neutral and non-polar, with threonine, which is neutral and polar, at codon 236 of the NLRP3 protein (p.Ala236Thr).